The following is an entry in ClinVar:

NC_000002.12:g.121530910T>C

Genes: CLASP1 (cytoplasmic linker associated protein 1; minus strand), CLASP1-AS1 (CLASP1 antisense RNA 1; plus strand), RNU4ATAC (RNA, U4atac small nuclear; plus strand). Cytogenetic location: 2q14.2.
Variant type: single nucleotide variant.
Molecular consequence: intron variant (on NM_001395891.1).
Genome position: GRCh38 VCF-style: chr2-121530910-T-C. GRCh37 (hg19) VCF-style: chr2-122288486-T-C.
Other names: c.196-585A>G (NM_001142274.2, NM_015282.3, NM_001378003.1 and 5 more transcripts).
Identifiers: ClinVar variation 1470235 (VCV001470235.4), dbSNP rs910631799, ClinGen allele CA54810811.

ClinVar aggregate classification (germline): Uncertain significance (1 of 4 stars; one submission).

Allele frequency attached by ClinVar (database versions not stated): TOPMed below 0.00001; gnomAD exomes 0.00001.
gnomAD v4.1: 4 of 699,136 alleles (0.00057%); highest among the groups gnomAD compares: East Asian, 0.0027%; no homozygotes.

Submission:

Labcorp Genetics (formerly Invitae), Labcorp
Classification: Uncertain significance. Last evaluated: 2022-07-19. Review status: criteria provided, single submitter. Criteria: Invitae Variant Classification Sherloc (09022015). Collection method: clinical testing. Allele origin: germline.
Comment: This variant occurs in the RNU4ATAC gene, which encodes an RNA molecule that does not result in a protein product. This variant is present in population databases (no rsID available, gnomAD 0.004%). This variant has not been reported in the literature in individuals affected with RNU4ATAC-related conditions. ClinVar contains an entry for this variant (Variation ID: 1470235). This variant is located within the 5' stem-loop region of the RNU4ATAC RNA, which includes the 15.5K binding site and is important for spliceosome assembly (PMID: 32628740). A significant number of disease-associated RNU4ATAC variants are found in this region (PMID: 32628740, 30368667). In summary, the available evidence is currently insufficient to determine the role of this variant in disease. Therefore, it has been classified as a Variant of Uncertain Significance.

Literature cited by the submitters: PubMed 32628740; PubMed 30368667.